The following is an entry in ClinVar:

NM_172107.4(KCNQ2):c.1408G>A (p.Asp470Asn)

Gene: KCNQ2 (potassium voltage-gated channel subfamily Q member 2; minus strand). Cytogenetic location: 20q13.33.
Variant type: single nucleotide variant.
Coding change: c.1408G>A on transcript NM_172107.4 (MANE Select); coding-DNA position 1408, G replaced by A.
Protein change: p.Asp470Asn; replaces aspartic acid 470 with asparagine.
Molecular consequence: missense variant.
Genome position (GRCh38, 1-based): chr20:63,415,020, C>T on the plus strand (G>A on the coding strand, the complement: KCNQ2 is on the minus strand). VCF-style: chr20-63415020-C-T. GRCh37 (hg19) VCF-style: chr20-62046373-C-T.
Other names: c.1354G>A, p.Asp452Asn (NM_001382235.1, NM_172106.3); c.1324G>A, p.Asp442Asn (NM_004518.6); c.1318G>A, p.Asp440Asn (NM_172108.5); short protein forms D440N, D442N, D452N, D470N.
Identifiers: ClinVar variation 1212149 (VCV001212149.13), dbSNP rs751907059, ClinGen allele CA9958459.

ClinVar aggregate classification (germline): Uncertain significance. Review status: criteria provided, multiple submitters, no conflicts (2 of 4 stars). 3 submissions from 3 submitters: Uncertain significance (3). Last evaluated 2025-09-24.

Conditions:
Early-infantile DEE. Also called: Ohtahara syndrome; Early infantile epileptic encephalopathy with suppression bursts; Early infantile epileptic encephalopathy. Identifiers: Orphanet 1934, MedGen C0393706, MONDO:0800491.
Inborn genetic diseases. Identifiers: MedGen C0950123, MeSH D030342.

Allele frequency attached by ClinVar (database versions not stated): gnomAD 0.00001; gnomAD exomes 0.00001 and 0.00002; ExAC 0.00002; TOPMed 0.00002.
gnomAD v4.1: 25 of 1,610,140 alleles (0.0016%); highest among the groups gnomAD compares: South Asian, 0.019%; no homozygotes.

Submissions (3):

Ambry Genetics
Classification: Uncertain significance for Inborn genetic diseases. Last evaluated: 2025-09-24. Review status: criteria provided, single submitter. Criteria: Ambry Variant Classification Scheme 2023. Collection method: clinical testing. Allele origin: germline.
Comment: The c.1408G>A (p.D470N) alteration is located in exon 13 (coding exon 13) of the KCNQ2 gene. This alteration results from a G to A substitution at nucleotide position 1408, causing the aspartic acid (D) at amino acid position 470 to be replaced by an asparagine (N). Based on data from gnomAD, the A allele has an overall frequency of 0.001% (2/244692) total alleles studied. The highest observed frequency was 0.007% (2/30576) of South Asian alleles. Based on insufficient or conflicting evidence, the clinical significance of this alteration remains unclear.

Labcorp Genetics (formerly Invitae), Labcorp
Classification: Uncertain significance for Early-infantile DEE. Last evaluated: 2023-12-11. Review status: criteria provided, single submitter. Criteria: Invitae Variant Classification Sherloc (09022015). Collection method: clinical testing. Allele origin: germline.
Comment: This sequence change replaces aspartic acid, which is acidic and polar, with asparagine, which is neutral and polar, at codon 470 of the KCNQ2 protein (p.Asp470Asn). The frequency data for this variant in the population databases is considered unreliable, as metrics indicate poor data quality at this position in the gnomAD database. This variant has not been reported in the literature in individuals affected with KCNQ2-related conditions. ClinVar contains an entry for this variant (Variation ID: 1212149). An algorithm developed to predict the effect of missense changes on protein structure and function (PolyPhen-2) suggests that this variant is likely to be tolerated. In summary, the available evidence is currently insufficient to determine the role of this variant in disease. Therefore, it has been classified as a Variant of Uncertain Significance.

GeneDx
Classification: Uncertain significance. Last evaluated: 2019-08-22. Review status: criteria provided, single submitter. Criteria: GeneDx Variant Classification Process June 2021. Collection method: clinical testing. Allele origin: germline. Affected: yes.
Comment: The majority of missense variants in this gene are considered pathogenic (Stenson et al., 2014); In silico analysis, which includes protein predictors and evolutionary conservation, supports a deleterious effect; Has not been previously published as pathogenic or benign to our knowledge